The following is an entry in ClinVar:

NM_015072.5(TTLL5):c.3758G>C (p.Gly1253Ala)

Gene: TTLL5 (tubulin tyrosine ligase like 5; plus strand). Cytogenetic location: 14q24.3.
Variant type: single nucleotide variant.
Coding change: c.3758G>C on transcript NM_015072.5 (MANE Select); coding-DNA position 3758, G replaced by C.
Protein change: p.Gly1253Ala; replaces glycine 1253 with alanine.
Molecular consequence: missense variant.
Genome position (GRCh38, 1-based): chr14:75,902,159, G>C. VCF-style: chr14-75902159-G-C. GRCh37 (hg19) VCF-style: chr14-76368502-G-C.
Other names: short protein forms G1253A.
Identifiers: ClinVar variation 861020 (VCV000861020.9), dbSNP rs896484588, ClinGen allele CA7280158.

ClinVar aggregate classification (germline): Conflicting classifications of pathogenicity. Review status: criteria provided, conflicting classifications (1 of 4 stars). 3 submissions from 3 submitters: Uncertain significance (2); Likely benign (1). Last evaluated 2025-08-03.

Conditions:
TTLL5-related disorder. Also called: TTLL5-related condition.
Inborn genetic diseases. Identifiers: MedGen C0950123, MeSH D030342.

Allele frequency attached by ClinVar (database versions not stated): gnomAD exomes 0.00011 and 0.00005; gnomAD 0.00001; TOPMed 0.00004; ExAC 0.00008.
gnomAD v4.1: 30 of 1,614,016 alleles (0.0019%); highest among the groups gnomAD compares: Admixed American, 0.05%; no homozygotes.

Submissions (3):

PreventionGenetics, part of Exact Sciences
Classification: Uncertain significance for TTLL5-related condition. Last evaluated: 2025-08-03. Review status: criteria provided, single submitter. Criteria: ACMG Guidelines, 2015. Collection method: clinical testing. Allele origin: germline.
Comment: The TTLL5 c.3758G>C variant is predicted to result in the amino acid substitution p.Gly1253Ala. To our knowledge, this variant has not been reported in the literature. This variant is reported in 0.079% of alleles in individuals of Latino descent in gnomAD, which may be too frequent to be a primary cause of disease. Although we suspect that this variant may be benign, at this time, the clinical significance of this variant is uncertain due to the absence of conclusive functional and genetic evidence.

Ambry Genetics
Classification: Likely benign for Inborn genetic diseases. Last evaluated: 2022-09-28. Review status: criteria provided, single submitter. Criteria: Ambry Variant Classification Scheme 2023. Collection method: clinical testing. Allele origin: germline.

Labcorp Genetics (formerly Invitae), Labcorp
Classification: Uncertain significance. Last evaluated: 2022-07-06. Review status: criteria provided, single submitter. Criteria: Invitae Variant Classification Sherloc (09022015). Collection method: clinical testing. Allele origin: germline.
Comment: This sequence change replaces glycine, which is neutral and non-polar, with alanine, which is neutral and non-polar, at codon 1253 of the TTLL5 protein (p.Gly1253Ala). This variant is present in population databases (no rsID available, gnomAD 0.08%). This variant has not been reported in the literature in individuals affected with TTLL5-related conditions. ClinVar contains an entry for this variant (Variation ID: 861020). Algorithms developed to predict the effect of missense changes on protein structure and function output the following: SIFT: "Tolerated"; PolyPhen-2: "Benign"; Align-GVGD: "Class C0". The alanine amino acid residue is found in multiple mammalian species, which suggests that this missense change does not adversely affect protein function. In summary, the available evidence is currently insufficient to determine the role of this variant in disease. Therefore, it has been classified as a Variant of Uncertain Significance.